The following is an entry in ClinVar:

NM_001172509.2(SATB2):c.1704G>A (p.Met568Ile)

Gene: SATB2 (SATB homeobox 2; minus strand). Cytogenetic location: 2q33.1.
Variant type: single nucleotide variant.
Coding change: c.1704G>A on transcript NM_001172509.2 (MANE Select); coding-DNA position 1704, G replaced by A.
Protein change: p.Met568Ile; replaces methionine 568 with isoleucine.
Molecular consequence: missense variant.
Genome position (GRCh38, 1-based): chr2:199,308,796, C>T on the plus strand (G>A on the coding strand, the complement: SATB2 is on the minus strand). VCF-style: chr2-199308796-C-T. GRCh37 (hg19) VCF-style: chr2-200173519-C-T.
Other names: c.1704G>A, p.Met568Ile (NM_001172517.1, NM_015265.4); short protein forms M568I.
Identifiers: ClinVar variation 589354 (VCV000589354.43), dbSNP rs1042085577, ClinGen allele CA64247630.
Genomic context (GRCh38, chr2:199,308,796, plus strand): 5'-GGTACGGCGGTCGGGGACACTGACCTGCACCGGCTCAGGGGGAAGCTGGACCACGTGTTG[C>T]ATGCGTTCGCTGTGGTGATGCCTTGACTCCTCCTCATAGATGACATCCCTCTCATGCTGG-3'
Protein context (NP_001165980.1, residues 558-578): EESRHHHSER[Met568Ile]QHVVQLPPEP

ClinVar aggregate classification (germline): Conflicting classifications of pathogenicity. Review status: criteria provided, conflicting classifications (1 of 4 stars). 4 submissions from 4 submitters: Uncertain significance (3); Benign (1). Last evaluated 2025-11-03.

Conditions:
Inborn genetic diseases. Identifiers: MedGen C0950123, MeSH D030342.
Chromosome 2q32-q33 deletion syndrome (GLASS). Also called: Glass syndrome; 2q33.1 deletion syndrome. Identifiers: Orphanet 251019, MedGen C2676739, MONDO:0012864, OMIM 612313.

Allele frequency attached by ClinVar (database versions not stated): gnomAD 0.00001; gnomAD exomes 0.00001; TOPMed 0.00002.

Submissions (4):

Labcorp Genetics (formerly Invitae), Labcorp
Classification: Benign for Chromosome 2q32-q33 deletion syndrome. Last evaluated: 2025-11-03. Review status: criteria provided, single submitter. Criteria: Invitae Variant Classification Sherloc (09022015). Collection method: clinical testing. Allele origin: germline.

Ambry Genetics
Classification: Uncertain significance for Inborn genetic diseases. Last evaluated: 2024-10-04. Review status: criteria provided, single submitter. Criteria: Ambry Variant Classification Scheme 2023. Collection method: clinical testing. Allele origin: germline.

CeGaT Center for Human Genetics Tuebingen
Classification: Uncertain significance. Last evaluated: 2023-05-01. Review status: criteria provided, single submitter. Criteria: CeGaT Center For Human Genetics Tuebingen Variant Classification Criteria Version 2. Collection method: clinical testing. Allele origin: germline. Affected: yes. Observed: 1 variant allele.
Comment: SATB2: PP2

Revvity Omics, Revvity
Classification: Uncertain significance for Chromosome 2q32-q33 deletion syndrome. Last evaluated: 2021-11-11. Review status: criteria provided, single submitter. Criteria: ACMG Guidelines, 2015. Collection method: clinical testing. Allele origin: germline.